The following is an entry in ClinVar:

ClinVar aggregate classification (germline): Uncertain significance. Review status: criteria provided, multiple submitters, no conflicts (2 of 4 stars). 4 submissions from 4 submitters: Uncertain significance (4). Last evaluated 2025-09-08.

Conditions:
Familial hypercholesterolemia. Also called: Familial hypercholesterolemias; Familial hypercholesterolaemia. Identifiers: MedGen C0020445, MONDO:0005439.
Hypercholesterolemia, autosomal dominant, 3 (FHCL3). Also called: Familial Hypercholesterolemia, Autosomal Dominant, 3; Familial hypercholesterolemia 3; PCSK9-Related Familial Hypercholesterolemia, Autosomal Dominant. Identifiers: MedGen C1863551, MONDO:0011369, OMIM 603776.

Submissions (4):

Labcorp Genetics (formerly Invitae), Labcorp
Classification: Uncertain significance for Hypercholesterolemia, autosomal dominant, 3. Last evaluated: 2025-09-08. Review status: criteria provided, single submitter. Criteria: Invitae Variant Classification Sherloc (09022015). Collection method: clinical testing. Allele origin: germline.
Comment: This sequence change replaces valine, which is neutral and non-polar, with methionine, which is neutral and non-polar, at codon 233 of the PCSK9 protein (p.Val233Met). This variant is not present in population databases (gnomAD no frequency). This variant has not been reported in the literature in individuals affected with PCSK9-related conditions. ClinVar contains an entry for this variant (Variation ID: 1677677). Invitae Evidence Modeling of protein sequence and biophysical properties (such as structural, functional, and spatial information, amino acid conservation, physicochemical variation, residue mobility, and thermodynamic stability) indicates that this missense variant is expected to disrupt PCSK9 protein function with a positive predictive value of 80%. In summary, the available evidence is currently insufficient to determine the role of this variant in disease. Therefore, it has been classified as a Variant of Uncertain Significance.

All of Us Research Program, National Institutes of Health
Classification: Uncertain significance for Hypercholesterolemia, autosomal dominant, 3. Last evaluated: 2023-09-17. Review status: criteria provided, single submitter. Criteria: ACMG Guidelines, 2015. Collection method: clinical testing. Allele origin: germline. Inheritance: Autosomal dominant inheritance. Observed: 1 variant allele, 1 heterozygote.
Comment: This missense variant replaces valine with methionine at codon 233 of the PCSK9 protein. Computational prediction suggests that this variant may have deleterious impact on protein structure and function (internally defined REVEL score threshold >= 0.7, PMID: 27666373). To our knowledge, functional studies have not been reported for this variant. This variant has not been reported in individuals affected with PCSK9-related disorders in the literature. This variant has not been identified in the general population by the Genome Aggregation Database (gnomAD). The available evidence is insufficient to determine the role of this variant in disease conclusively. Therefore, this variant is classified as a Variant of Uncertain Significance.

This study involves interpretation of variants in research participants for the purpose of population health screening. Participant phenotype was not available at the time of variant classification. Additional details can be found in publication PMID: 35346344, PMCID: PMC8962531

Color Diagnostics, LLC DBA Color Health
Classification: Uncertain significance for Familial hypercholesterolemia. Last evaluated: 2023-09-01. Review status: criteria provided, single submitter. Criteria: ACMG Guidelines, 2015. Collection method: clinical testing. Allele origin: germline.
Comment: This missense variant replaces valine with methionine at codon 233 of the PCSK9 protein. Computational prediction suggests that this variant may have deleterious impact on protein structure and function. To our knowledge, functional studies have not been reported for this variant. This variant has not been reported in individuals affected with PCSK9-related disorders in the literature. This variant has not been identified in the general population by the Genome Aggregation Database (gnomAD). The available evidence is insufficient to determine the role of this variant in disease conclusively. Therefore, this variant is classified as a Variant of Uncertain Significance.

AiLife Diagnostics
Classification: Uncertain significance. Last evaluated: 2021-12-03. Review status: criteria provided, single submitter. Criteria: ACMG Guidelines, 2015. Collection method: clinical testing. Allele origin: germline. Affected: yes. Observed: 1 variant allele.

NM_174936.4(PCSK9):c.697G>A (p.Val233Met)

Gene: PCSK9 (proprotein convertase subtilisin/kexin type 9; plus strand). Cytogenetic location: 1p32.3.
Variant type: single nucleotide variant.
Coding change: c.697G>A on transcript NM_174936.4 (MANE Select); coding-DNA position 697, G replaced by A.
Protein change: p.Val233Met; replaces valine 233 with methionine.
Molecular consequence: missense variant.
Genome position (GRCh38, 1-based): chr1:55,052,689, G>A. VCF-style: chr1-55052689-G-A. GRCh37 (hg19) VCF-style: chr1-55518362-G-A.
Other names: c.820G>A, p.Val274Met (NM_001407240.1); c.697G>A, p.Val233Met (NM_001407241.1, NM_001407244.1, NM_001407247.1); c.700G>A, p.Val234Met (NM_001407242.1); c.640G>A, p.Val214Met (NM_001407243.1); c.505G>A, p.Val169Met (NM_001407245.1); c.322G>A, p.Val108Met (NM_001407246.1); short protein forms V233M, V234M, V274M, V169M, V214M, V108M.
Identifiers: ClinVar variation 1677677 (VCV001677677.4), dbSNP rs150169598, ClinGen allele CA340473887.